The following is an entry in ClinVar:

ClinVar aggregate classification (germline): Uncertain significance (1 of 4 stars; one submission).

Allele frequency attached by ClinVar (database versions not stated): gnomAD 0.00001; TOPMed 0.00001; ExAC 0.00003.

Submission:

Labcorp Genetics (formerly Invitae), Labcorp
Classification: Uncertain significance. Last evaluated: 2022-02-19. Review status: criteria provided, single submitter. Criteria: Invitae Variant Classification Sherloc (09022015). Collection method: clinical testing. Allele origin: germline.
Comment: This variant is present in population databases (rs772573693, gnomAD 0.01%). This variant has not been reported in the literature in individuals affected with CABP4-related conditions. Advanced modeling of protein sequence and biophysical properties (such as structural, functional, and spatial information, amino acid conservation, physicochemical variation, residue mobility, and thermodynamic stability) performed at Invitae indicates that this missense variant is not expected to disrupt CABP4 protein function. In summary, the available evidence is currently insufficient to determine the role of this variant in disease. Therefore, it has been classified as a Variant of Uncertain Significance. This sequence change replaces glutamine, which is neutral and polar, with histidine, which is basic and polar, at codon 5 of the CABP4 protein (p.Gln5His).

NM_145200.5(CABP4):c.15G>T (p.Gln5His)

Gene: CABP4 (calcium binding protein 4; plus strand). Cytogenetic location: 11q13.2.
Variant type: single nucleotide variant.
Coding change: c.15G>T on transcript NM_145200.5 (MANE Select); coding-DNA position 15, G replaced by T.
Protein change: p.Gln5His; replaces glutamine 5 with histidine.
Molecular consequence: missense variant. On other transcripts: 5 prime UTR variant (2), non-coding transcript variant (1), intron variant (1).
Genome position (GRCh38, 1-based): chr11:67,455,438, G>T. VCF-style: chr11-67455438-G-T. GRCh37 (hg19) VCF-style: chr11-67222909-G-T.
Other names: c.-369G>T (NM_001300895.3); c.-383G>T (NM_001379183.1); c.-112-271G>T (NM_001300896.3); short protein forms Q5H.
Identifiers: ClinVar variation 1418547 (VCV001418547.8), dbSNP rs772573693, ClinGen allele CA6140053.
Genomic context (GRCh38, chr11:67,455,438, plus strand): 5'-GGGTGCCCAGGGGTGTGGTGTCTCTGAGCCCTGTTATCCCTCCCCCATGACCACAGAGCA[G>T]GCAAGGGGGCAGCAGGGCCCAAATCTGGCCATTGGCCGTCAGAAGCCCCCTGCGGGGGTT-3'
Protein context (NP_660201.1, residues 1-15): MTTE[Gln5His]ARGQQGPNLA